The following is an entry in ClinVar:

ClinVar aggregate classification (germline): Uncertain significance. Review status: criteria provided, multiple submitters, no conflicts (2 of 4 stars). 2 submissions from 2 submitters: Uncertain significance (2). Last evaluated 2025-07-21.

Conditions:
Cardiomyopathy (CMYO). Also called: Cardiomyopathies. Identifiers: Orphanet 167848, MedGen C0878544, MONDO:0004994, HP:0001638. Inheritance: Various modes of inheritance.
Catecholaminergic polymorphic ventricular tachycardia 1. Also called: VENTRICULAR TACHYCARDIA, STRESS-INDUCED POLYMORPHIC 1; VENTRICULAR TACHYCARDIA, CATECHOLAMINERGIC POLYMORPHIC, 1, WITH OR WITHOUT ATRIAL DYSFUNCTION AND/OR DILATED CARDIOMYOPATHY; RYR2-Related Catecholaminergic Polymorphic Ventricular Tachycardia. Identifiers: Orphanet 3286, MedGen C1631597, MONDO:0011484, OMIM 604772.

gnomAD v4.1: 2 of 1,606,110 alleles (0.00012%); highest among the groups gnomAD compares: Non-Finnish European, 0.00017%; no homozygotes.

Submissions (2):

Labcorp Genetics (formerly Invitae), Labcorp
Classification: Uncertain significance for Catecholaminergic polymorphic ventricular tachycardia 1. Last evaluated: 2025-07-21. Review status: criteria provided, single submitter. Criteria: Invitae Variant Classification Sherloc (09022015). Collection method: clinical testing. Allele origin: germline.
Comment: This sequence change replaces alanine, which is neutral and non-polar, with glycine, which is neutral and non-polar, at codon 3169 of the RYR2 protein (p.Ala3169Gly). The frequency data for this variant in the population databases is considered unreliable, as metrics indicate poor data quality at this position in the gnomAD database. This variant has not been reported in the literature in individuals affected with RYR2-related conditions. ClinVar contains an entry for this variant (Variation ID: 3619850). Invitae Evidence Modeling of protein sequence and biophysical properties (such as structural, functional, and spatial information, amino acid conservation, physicochemical variation, residue mobility, and thermodynamic stability) indicates that this missense variant is expected to disrupt RYR2 protein function with a positive predictive value of 95%. In summary, the available evidence is currently insufficient to determine the role of this variant in disease. Therefore, it has been classified as a Variant of Uncertain Significance.

Color Diagnostics, LLC DBA Color Health
Classification: Uncertain significance for Cardiomyopathy. Last evaluated: 2025-07-07. Review status: criteria provided, single submitter. Criteria: ACMG Guidelines, 2015. Collection method: clinical testing. Allele origin: germline.
Comment: This missense variant replaces alanine with glycine at codon 3169 of the RYR2 protein. Computational prediction suggests that this variant may have deleterious impact on protein structure and function. To our knowledge, functional studies have not been reported for this variant. This variant has not been reported in individuals affected with RYR2-related disorders in the literature. This variant has been identified in 2/236626 chromosomes in the general population by the Genome Aggregation Database (gnomAD). The available evidence is insufficient to determine the role of this variant in disease conclusively. Therefore, this variant is classified as a Variant of Uncertain Significance.

NM_001035.3(RYR2):c.9506C>G (p.Ala3169Gly)

Gene: RYR2 (ryanodine receptor 2; plus strand). Cytogenetic location: 1q43.
Variant type: single nucleotide variant.
Coding change: c.9506C>G on transcript NM_001035.3 (MANE Select); coding-DNA position 9506, C replaced by G.
Protein change: p.Ala3169Gly; replaces alanine 3169 with glycine.
Molecular consequence: missense variant.
Genome position (GRCh38, 1-based): chr1:237,705,269, C>G. VCF-style: chr1-237705269-C-G. GRCh37 (hg19) VCF-style: chr1-237868569-C-G.
Other names: short protein forms A3169G.
Identifiers: ClinVar variation 3619850 (VCV003619850.3).